The following is an entry in ClinVar:

NM_014339.7(IL17RA):c.1467C>A (p.Asp489Glu)

Gene: IL17RA (interleukin 17 receptor A; plus strand). Cytogenetic location: 22q11.1.
Variant type: single nucleotide variant.
Coding change: c.1467C>A on transcript NM_014339.7 (MANE Select); coding-DNA position 1467, C replaced by A.
Protein change: p.Asp489Glu; replaces aspartic acid 489 with glutamic acid.
Molecular consequence: missense variant.
Genome position (GRCh38, 1-based): chr22:17,108,686, C>A. VCF-style: chr22-17108686-C-A. GRCh37 (hg19) VCF-style: chr22-17589576-C-A.
Other names: c.1365C>A, p.Asp455Glu (NM_001289905.2); short protein forms D489E, D455E.
Identifiers: ClinVar variation 2120765 (VCV002120765.4), dbSNP rs1318707550, ClinGen allele CA410217114.
Genomic context (GRCh38, chr22:17,108,686, plus strand): 5'-CGACCACGGAAAGCCCGTGGGGGACCTGTTCACTGCAGCCATGAACATGATCCTCCCGGA[C>A]TTCAAGAGGCCAGCCTGCTTCGGCACCTACGTAGTCTGCTACTTCAGCGAGGTCAGCTGT-3'
Protein context (NP_055154.3, residues 479-499): FTAAMNMILP[Asp489Glu]FKRPACFGTY

ClinVar aggregate classification (germline): Uncertain significance (1 of 4 stars; one submission).

Conditions:
Immunodeficiency 51 (IMD51). Also called: CANDIDIASIS, FAMILIAL, 5. Identifiers: Orphanet 1334, MedGen C4310803, MONDO:0013500, OMIM 613953.

Submission:

Labcorp Genetics (formerly Invitae), Labcorp
Classification: Uncertain significance for Immunodeficiency 51. Last evaluated: 2024-11-18. Review status: criteria provided, single submitter. Criteria: Invitae Variant Classification Sherloc (09022015). Collection method: clinical testing. Allele origin: germline.
Comment: This sequence change replaces aspartic acid, which is acidic and polar, with glutamic acid, which is acidic and polar, at codon 489 of the IL17RA protein (p.Asp489Glu). This variant is not present in population databases (gnomAD no frequency). This variant has not been reported in the literature in individuals affected with IL17RA-related conditions. ClinVar contains an entry for this variant (Variation ID: 2120765). Invitae Evidence Modeling of protein sequence and biophysical properties (such as structural, functional, and spatial information, amino acid conservation, physicochemical variation, residue mobility, and thermodynamic stability) indicates that this missense variant is expected to disrupt IL17RA protein function with a positive predictive value of 80%. In summary, the available evidence is currently insufficient to determine the role of this variant in disease. Therefore, it has been classified as a Variant of Uncertain Significance.